The following is an entry in ClinVar:

NM_001042492.3(NF1):c.2039G>T (p.Cys680Phe)

Gene: NF1 (neurofibromin 1; plus strand). Cytogenetic location: 17q11.2.
Variant type: single nucleotide variant.
Coding change: c.2039G>T on transcript NM_001042492.3 (MANE Select); coding-DNA position 2039, G replaced by T.
Protein change: p.Cys680Phe; replaces cysteine 680 with phenylalanine.
Molecular consequence: missense variant.
Genome position (GRCh38, 1-based): chr17:31,226,472, G>T. VCF-style: chr17-31226472-G-T. GRCh37 (hg19) VCF-style: chr17-29553490-G-T.
Other names: c.2039G>T, p.Cys680Phe (NM_000267.4); short protein forms C680F.
Identifiers: ClinVar variation 5025526 (VCV005025526.1).
Genomic context (GRCh38, chr17:31,226,472, plus strand): 5'-TGTCTTCCACCCTTGACTCTCAGGATAGTGCAGCAGGATGCAGCGGAACCCCCCCGATTT[G>T]CCGACAAGCCCAGACCAAACTAGAAGTGGCCCTGTACATGTTTCTGTGGAACCCTGACAC-3'
Protein context (NP_001035957.1, residues 670-690): AAGCSGTPPI[Cys680Phe]RQAQTKLEVA

ClinVar aggregate classification (germline): Uncertain significance (1 of 4 stars; one submission).

Conditions:
Cardiovascular phenotype. Identifiers: MedGen CN230736.
Hereditary cancer-predisposing syndrome. Also called: Neoplastic Syndromes, Hereditary; Tumor predisposition; Hereditary neoplastic syndrome; Hereditary Cancer Syndrome. Identifiers: Orphanet 140162, MedGen C0027672, MeSH D009386, MONDO:0015356.

Submission:

Ambry Genetics
Classification: Uncertain significance for Cardiovascular phenotype; Hereditary cancer-predisposing syndrome. Last evaluated: 2026-08-19. Review status: criteria provided, single submitter. Criteria: Ambry Variant Classification Scheme 2023. Collection method: clinical testing. Allele origin: germline.
Comment: The p.C680F variant (also known as c.2039G>T), located in coding exon 18 of the NF1 gene, results from a G to T substitution at nucleotide position 2039. The cysteine at codon 680 is replaced by phenylalanine, an amino acid with highly dissimilar properties. This amino acid position is highly conserved in available vertebrate species. In addition, this alteration is predicted to be deleterious by in silico analysis. Based on the available evidence, the clinical significance of this variant remains unclear.